The following is an entry in ClinVar:

NM_000199.5(SGSH):c.309G>A (p.Lys103=)

Gene: SGSH (N-sulfoglucosamine sulfohydrolase; minus strand). Cytogenetic location: 17q25.3.
Variant type: single nucleotide variant.
Coding change: c.309G>A on transcript NM_000199.5 (MANE Select); coding-DNA position 309, G replaced by A.
Protein change: p.Lys103=; no amino-acid change (lysine 103 retained).
Molecular consequence: synonymous variant.
Genome position (GRCh38, 1-based): chr17:80,215,079, C>T on the plus strand (G>A on the coding strand, the complement: SGSH is on the minus strand). VCF-style: chr17-80215079-C-T. GRCh37 (hg19) VCF-style: chr17-78188878-C-T.
Other names: c.309G>A, p.Lys103= (NM_001352921.3, NM_001352922.2).
Identifiers: ClinVar variation 889287 (VCV000889287.8), dbSNP rs751641089, ClinGen allele CA8818089.

ClinVar aggregate classification (germline): Uncertain significance. Review status: criteria provided, multiple submitters, no conflicts (2 of 4 stars). 3 submissions from 3 submitters: Uncertain significance (3). Last evaluated 2022-08-19.

Conditions:
Mucopolysaccharidosis, MPS-III-A (MPS3A). Also called: SANFILIPPO SYNDROME A; SULFAMIDASE DEFICIENCY; MPS III A; HEPARAN SULFATE SULFATASE DEFICIENCY; Mucopolysaccharidosis, type IIIA; MUCOPOLYSACCHARIDOSIS, TYPE IIIA, ATTENUATED. Identifiers: Orphanet 581, Orphanet 79269, MedGen C0086647, MONDO:0009655, OMIM 252900.

Allele frequency attached by ClinVar (database versions not stated): gnomAD exomes 0.00001; ExAC 0.00001.
gnomAD v4.1: 9 of 1,612,376 alleles (0.00056%); highest among the groups gnomAD compares: Admixed American, 0.0017%; no homozygotes.

Submissions (3):

Labcorp Genetics (formerly Invitae), Labcorp
Classification: Uncertain significance for Mucopolysaccharidosis, MPS-III-A. Last evaluated: 2022-08-19. Review status: criteria provided, single submitter. Criteria: Invitae Variant Classification Sherloc (09022015). Collection method: clinical testing. Allele origin: germline.
Comment: This sequence change affects codon 103 of the SGSH mRNA. It is a 'silent' change, meaning that it does not change the encoded amino acid sequence of the SGSH protein. This variant is present in population databases (rs751641089, gnomAD 0.003%). This variant has not been reported in the literature in individuals affected with SGSH-related conditions. ClinVar contains an entry for this variant (Variation ID: 889287). Algorithms developed to predict the effect of sequence changes on RNA splicing suggest that this variant may disrupt the consensus splice site. In summary, the available evidence is currently insufficient to determine the role of this variant in disease. Therefore, it has been classified as a Variant of Uncertain Significance.

Genome-Nilou Lab
Classification: Uncertain significance for Mucopolysaccharidosis, MPS-III-A. Last evaluated: 2021-11-07. Review status: criteria provided, single submitter. Criteria: ACMG Guidelines, 2015. Collection method: clinical testing. Allele origin: germline. Affected: no.

Illumina Laboratory Services, Illumina
Classification: Uncertain significance for Mucopolysaccharidosis, MPS-III-A. Last evaluated: 2018-01-13. Review status: criteria provided, single submitter. Criteria: ICSL Variant Classification Criteria 13 December 2019. Collection method: clinical testing. Allele origin: germline.